The following continues an entry in ClinVar:

NM_005633.4(SOS1):c.1655G>C (p.Arg552Thr)

Gene: SOS1. ClinVar aggregate classification (germline): Pathogenic. Pathogenic (1).

Submissions 10 to 16 of 16:

Ambry Genetics
Classification: Pathogenic for Cardiovascular phenotype. Last evaluated: 2021-05-13. Review status: criteria provided, single submitter. Criteria: Ambry Variant Classification Scheme 2023. Collection method: clinical testing. Allele origin: germline. Not counted in ClinVar's aggregate classification.
Comment: The p.R552T pathogenic mutation (also known as c.1655G>C), located in coding exon 10 of the SOS1 gene, results from a G to C substitution at nucleotide position 1655. The arginine at codon 552 is replaced by threonine, an amino acid with similar properties. This variant has been reported in multiple individuals with Noonan syndrome (Beneteau C et al. Eur J Hum Genet, 2009 Oct;17:1216-21; Lepri F et al. Hum Mutat, 2011 Jul;32:760-72; izm&aacute;rov&aacute; M et al. Ann Hum Genet, 2016 Jan;80:50-62; Bertola DR et al. Am J Med Genet C Semin Med Genet, 2020 12;184:896-911). Based on internal structural analysis, this variant is anticipated to result in a decrease in structural stability (Gureasko J et al. Proc Natl Acad Sci U S A, 2010 Feb;107:3430-5). Multiple alterations at the same codon, including p.R552G (c.1654A>G), p.R552K (c.1655G>A), and p.R552S (c.1656G>C, c.1656G>T), have been detected in Noonan syndrome cohorts (Tartaglia M et al. Nat Genet, 2007 Jan;39:75-9; Zenker M et al. J Med Genet, 2007 Oct;44:651-6). This variant is considered to be rare based on population cohorts in the Genome Aggregation Database (gnomAD). In addition, this alteration is predicted to be deleterious by in silico analysis. Based on the supporting evidence, this alteration is interpreted as a disease-causing mutation.

Johns Hopkins Genomics, Johns Hopkins University
Classification: Pathogenic for Noonan syndrome 4. Last evaluated: 2021-05-07. Review status: criteria provided, single submitter. Criteria: ACMG Guidelines, 2015. Collection method: clinical testing. Allele origin: germline. Not counted in ClinVar's aggregate classification.

Genetics and Molecular Pathology, SA Pathology
Classification: Pathogenic for Noonan syndrome 4. Last evaluated: 2020-08-10. Review status: criteria provided, single submitter. Criteria: ACMG Guidelines, 2015. Collection method: clinical testing. Allele origin: germline. Inheritance: Autosomal dominant inheritance. Affected: yes. Not counted in ClinVar's aggregate classification.
Comment: The SOS1 c.1655G>C missense variant is classified as PATHOGENIC (PM1, PP3, PS2, PS4) (PM2 and PP2 not applied due to using PS4 and PM1) The SOS1 c.1655G>C missense variant is a single nucleotide change in exon 10 of the SOS1 gene, which is predicted to change the amino acid arginine at position 552 in the protein to threonine. The variant has been reported in multiple patients with Noonan syndrome (PMID:19352411, PMID:21387466) (PS4). The variant is in dbSNP (rs397517154) but is absent from population databases. The variant has been reported in ClinVar as pathogenic for Noonan syndrome, by multiple submitters, including the ClinGen RASopathy variant classification expert panel (Variation ID: VCV000040682.6), and has also been reported in HGMD as damaging for Noonan syndrome (CM095735) and LOVD as pathogenic (SOS1_00020). This is a missense variant in a constrained gene where missense variants are a common mechanism of disease and benign variation is rare. The amino acid arginine at position 552 is located within a mutational hot spot and is frequently altered in Noonan syndrome patients with SOS1 variants (PM1). Computational predictions support a deleterious effect on the gene or gene product (PP3).

Centre for Mendelian Genomics, University Medical Centre Ljubljana
Classification: Pathogenic for Abnormal aortic valve morphology. Last evaluated: 2017-01-01. Review status: criteria provided, single submitter. Criteria: ACMG Guidelines, 2015. Collection method: clinical testing. Allele origin: unknown. Affected: yes. Not counted in ClinVar's aggregate classification.

Genome Diagnostics Laboratory, The Hospital for Sick Children
Classification: Pathogenic for Noonan syndrome and Noonan-related syndrome. Last evaluated: 2016-12-12. Review status: criteria provided, single submitter. Criteria: ACMG Guidelines, 2015. Collection method: clinical testing. Allele origin: germline. Affected: yes. Not counted in ClinVar's aggregate classification.

Laboratory for Molecular Medicine, Mass General Brigham Personalized Medicine
Classification: Pathogenic for Noonan syndrome. Last evaluated: 2011-11-15. Review status: criteria provided, single submitter. Criteria: LMM Criteria. Collection method: clinical testing. Allele origin: germline. Inheritance: Autosomal dominant inheritance. Observed: 7 variant alleles. Not counted in ClinVar's aggregate classification.
Comment: The p.Arg552Thr variant in SOS1 has been identified in at least 5 individuals wi th clinical features of Noonan syndrome (Beneteau 2009, Lepri 2011, LMM unpublis hed data) and was absent from large population studies. Arginine (Arg) at positi on 552 is highly conserved in mammals, and evolutionarily distant species and ot her computational prediction tools suggest that this variant may impact the prot ein. Furthermore, several other amino acid changes at this position have been id entified in individuals with Noonan syndrome (p.Arg552Ser, p.Arg552Lys, p.Arg552 Met, p.Arg552Gly; Beneteau 2009, Lepri 2011), many of which occurred de novo, an d functional studies showed that another variant at the same position (p.Arg552G ly) caused increased and prolonged RAS activation (Tartaglia 2007). In summary, this variant meets our criteria to be classified as pathogenic for Noonan syndro me in an autosomal dominant manner based upon absence from controls and supporti ng functional evidence.

Molecular Genetics, Centre for Human Genetics
Classification: Pathogenic for Noonan syndrome 1. Review status: no assertion criteria provided. Collection method: clinical testing. Allele origin: de novo. Inheritance: Autosomal dominant inheritance. Affected: yes. Observed: 1 variant allele. Not counted in ClinVar's aggregate classification.

Literature cited by the submitters: PubMed 21387466 (cited by 7 submitters); PubMed 19352411 (cited by 7 submitters); PubMed 17143282 (cited by 5 submitters); PubMed 23487764 (cited by Labcorp Genetics (formerly Invitae), Labcorp); PubMed 33128510 (cited by Illumina Laboratory Services, Illumina and Ambry Genetics); PubMed 26607044 (cited by Illumina Laboratory Services, Illumina and Ambry Genetics); PubMed 29493581 (cited by Illumina Laboratory Services, Illumina and Johns Hopkins Genomics, Johns Hopkins University); PubMed 17586837 (cited by Ambry Genetics); PubMed 20133692 (cited by Ambry Genetics); PubMed 24803665 (cited by Ambry Genetics); PubMed 33771761 (cited by Ambry Genetics).